The following is an entry in ClinVar:

NM_000557.5(GDF5):c.1093_1094delinsAT (p.Asp365Ile)

Genes: GDF5 (growth differentiation factor 5; minus strand), GDF5-AS1 (GDF5 antisense RNA 1; plus strand). Cytogenetic location: 20q11.22.
Variant type: Indel.
Coding change: c.1093_1094delinsAT on transcript NM_000557.5 (MANE Select); coding-DNA positions 1093 to 1094, GA replaced by AT.
Protein change: p.Asp365Ile; replaces aspartic acid 365 with isoleucine.
Molecular consequence: missense variant. On other transcripts: non-coding transcript variant (1).
Genome position (GRCh38, 1-based): chr20:35,434,321-35,434,322, TC replaced by AT on the plus strand (GA replaced by AT on the coding strand, the reverse complement: GDF5 is on the minus strand). VCF-style: chr20-35434321-TC-AT. GRCh37 (hg19) VCF-style: chr20-34022119-TC-AT.
Other names: c.1093_1094delinsAT, p.Asp365Ile (NM_001319138.2); short protein forms D365I.
Identifiers: ClinVar variation 1349179 (VCV001349179.3), dbSNP rs2146579076, ClinGen allele CA2573157057.

ClinVar aggregate classification (germline): Uncertain significance (1 of 4 stars; one submission).

Submission:

Labcorp Genetics (formerly Invitae), Labcorp
Classification: Uncertain significance. Last evaluated: 2022-10-30. Review status: criteria provided, single submitter. Criteria: Invitae Variant Classification Sherloc (09022015). Collection method: clinical testing. Allele origin: germline.
Comment: This sequence change replaces aspartic acid, which is acidic and polar, with isoleucine, which is neutral and non-polar, at codon 365 of the GDF5 protein (p.Asp365Ile). This variant is present in population databases (no rsID available, gnomAD 0.1%). This variant has not been reported in the literature in individuals affected with GDF5-related conditions. ClinVar contains an entry for this variant (Variation ID: 1349179). Experimental studies and prediction algorithms are not available or were not evaluated, and the functional significance of this variant is currently unknown. In summary, the available evidence is currently insufficient to determine the role of this variant in disease. Therefore, it has been classified as a Variant of Uncertain Significance.